The following is an entry in ClinVar:

NM_002386.4(MC1R):c.128G>A (p.Gly43Glu)

Gene: MC1R (melanocortin 1 receptor; plus strand). Cytogenetic location: 16q24.3.
Variant type: single nucleotide variant.
Coding change: c.128G>A on transcript NM_002386.4 (MANE Select); coding-DNA position 128, G replaced by A.
Protein change: p.Gly43Glu; replaces glycine 43 with glutamic acid.
Molecular consequence: missense variant.
Genome position (GRCh38, 1-based): chr16:89,919,386, G>A. VCF-style: chr16-89919386-G-A. GRCh37 (hg19) VCF-style: chr16-89985794-G-A.
Other names: short protein forms G43E.
Identifiers: ClinVar variation 4842623 (VCV004842623.1).

ClinVar aggregate classification (germline): Uncertain significance (1 of 4 stars; one submission).

Submission:

Ambry Genetics
Classification: Uncertain significance. Last evaluated: 2026-01-14. Review status: criteria provided, single submitter. Criteria: Ambry Variant Classification Scheme 2023. Collection method: clinical testing. Allele origin: germline.
Comment: The p.G43E variant (also known as c.128G>A), located in coding exon 1 of the MC1R gene, results from a G to A substitution at nucleotide position 128. The glycine at codon 43 is replaced by glutamic acid, an amino acid with similar properties. This amino acid position is conserved. In addition, this alteration is predicted to be tolerated by in silico analysis. Based on the available evidence, the clinical significance of this variant remains unclear.